The following is an entry in ClinVar:

NM_133259.4(LRPPRC):c.3465_3466delinsA (p.Glu1156fs)

Gene: LRPPRC (leucine rich pentatricopeptide repeat containing; minus strand). Cytogenetic location: 2p21.
Variant type: Indel.
Coding change: c.3465_3466delinsA on transcript NM_133259.4 (MANE Select); coding-DNA positions 3465 to 3466, TG replaced by A.
Protein change: p.Glu1156fs; shifts the reading frame from glutamic acid 1156.
Molecular consequence: frameshift variant.
Genome position (GRCh38, 1-based): chr2:43,901,423-43,901,424, CA replaced by T on the plus strand (TG replaced by A on the coding strand, the reverse complement: LRPPRC is on the minus strand). VCF-style: chr2-43901423-CA-T. GRCh37 (hg19) VCF-style: chr2-44128562-CA-T.
Other names: short protein forms E1156fs.
Identifiers: ClinVar variation 1726943 (VCV001726943.2), dbSNP rs2466385435, ClinGen allele CA2580066506.
Genomic context (GRCh38, chr2:43,901,423, plus strand): 5'-TTGAAAGTCCAATGGAGTCTTCGAGTCCATTTAACATCTTCTGAACTACTTCTATGTTTT[CA>T]ACATCACCCTTCATGGCCAATGCCTGGATGACACGGGTCACTGCTAACCTAGAAGGGGTC-3'

ClinVar aggregate classification (germline): Likely pathogenic (1 of 4 stars; one submission).

Conditions:
Congenital lactic acidosis, Saguenay-Lac-Saint-Jean type (MC4DN5). Also called: CYTOCHROME c OXIDASE DEFICIENCY, FRENCH CANADIAN TYPE; COX DEFICIENCY, FRENCH CANADIAN TYPE; MITOCHONDRIAL COMPLEX IV DEFICIENCY, NUCLEAR TYPE 5. Identifiers: Orphanet 70472, MedGen C1857355, MONDO:0009069, OMIM 220111.

Submission:

Myriad Genetics, Inc.
Classification: Likely pathogenic for Congenital lactic acidosis, Saguenay-Lac-Saint-Jean type. Last evaluated: 2022-01-02. Review status: criteria provided, single submitter. Criteria: Myriad Women's Health Autosomal Recessive and X-Linked Classification Criteria (2021). Collection method: clinical testing. Allele origin: unknown.
Comment: NM_133259.3(LRPPRC):c.3465_3466delTGinsA(E1156Kfs*3) is expected to be pathogenic in the context of Leigh syndrome, French-Canadian type. This variant is predicted to lead to an abnormal or absent protein product due to the creation of a premature termination codon in LRPPRC, a gene where loss-of-function variants are known to be pathogenic. Please note: this variant was assessed in the context of healthy population screening.